The following is an entry in ClinVar:

ClinVar aggregate classification (germline): Pathogenic (1 of 4 stars; one submission).

Conditions:
Mitochondrial DNA depletion syndrome, encephalomyopathic form with methylmalonic aciduria (MTDPS5). Also called: SUCLA2-Related Mitochondrial DNA Depletion Syndrome, Encephalomyopathic Form with Methylmalonic Aciduria; MITOCHONDRIAL DNA DEPLETION SYNDROME, ENCEPHALOMYOPATHIC FORM, WITH OR WITHOUT METHYLMALONIC ACIDURIA, AUTOSOMAL RECESSIVE, SUCLA2-RELATED; Mitochondrial encephalomyopathy aminoacidopathy; Mitochondrial DNA depletion syndrome 5 (encephalomyopathic with or without methylmalonic aciduria). Identifiers: Orphanet 1933, MedGen C5980207, MONDO:0012791, OMIM 612073.

gnomAD v4.1: 10 of 1,612,052 alleles (0.00062%); highest among the groups gnomAD compares: Non-Finnish European, 0.00085%; no homozygotes.

Submission:

Labcorp Genetics (formerly Invitae), Labcorp
Classification: Pathogenic for Mitochondrial DNA depletion syndrome, encephalomyopathic form with methylmalonic aciduria. Last evaluated: 2020-10-24. Review status: criteria provided, single submitter. Criteria: Invitae Variant Classification Sherloc (09022015). Collection method: clinical testing. Allele origin: germline.
Comment: This sequence change affects a donor splice site in intron 3 of the SUCLA2 gene. It is expected to disrupt RNA splicing. Variants that disrupt the donor or acceptor splice site typically lead to a loss of protein function (PMID: 16199547), and loss-of-function variants in SUCLA2 are known to be pathogenic (PMID: 15877282, 17301081). This variant is not present in population databases (ExAC no frequency). This variant has been observed in individual(s) with clinical features of succinate-CoA ligase deficiency (Invitae). In at least one individual the data is consistent with the variant being in trans (on the opposite chromosome) from a pathogenic variant. Algorithms developed to predict the effect of sequence changes on RNA splicing suggest that this variant may disrupt the consensus splice site, but this prediction has not been confirmed by published transcriptional studies. For these reasons, this variant has been classified as Pathogenic.

Literature cited by the submitters: PubMed 16199547; PubMed 15877282; PubMed 17301081.

NM_003850.3(SUCLA2):c.371+1G>C

Gene: SUCLA2 (succinate-CoA ligase ADP-forming subunit beta; minus strand). Cytogenetic location: 13q14.2.
Variant type: single nucleotide variant.
Coding change: c.371+1G>C on transcript NM_003850.3 (MANE Select); the canonical splice donor site of the intron after coding-DNA position 371, G replaced by C.
Molecular consequence: splice donor variant.
Genome position (GRCh38, 1-based): chr13:47,988,881, C>G on the plus strand (G>C on the coding strand, the complement: SUCLA2 is on the minus strand). VCF-style: chr13-47988881-C-G. GRCh37 (hg19) VCF-style: chr13-48563016-C-G.
Identifiers: ClinVar variation 1383524 (VCV001383524.8), dbSNP rs985896883, ClinGen allele CA388151191.